The following is an entry in ClinVar:

ClinVar aggregate classification (germline): Uncertain significance (3 of 4 stars; one submission).

Conditions:
Hereditary thrombocytopenia and hematologic cancer predisposition syndrome. Identifiers: Orphanet 71290, MedGen CN281654, MONDO:0011071.

Submission:

ClinGen Myeloid Malignancy Variant Curation Expert Panel
Classification: Uncertain significance for Hereditary thrombocytopenia and hematologic cancer predisposition syndrome. Last evaluated: 2025-03-26. Review status: reviewed by expert panel. Criteria: ClinGen MyeloMalig ACMG Specifications v2. Collection method: curation. Allele origin: germline. Inheritance: Autosomal dominant inheritance.
Comment: NM_001754.5(RUNX1):c.187G>C (p.Ala63Pro) is a missense variant which has a REVEL score < 0.50 (0.281) and a SpliceAI score ≤ 0.20 (0.03) (BP4). This variant is completely absent from all population databases with at least 20x coverage for RUNX1 (PM2_supporting). In summary, the clinical significance of this variant is uncertain. ACMG/AMP criteria applied, as specified by the Myeloid Malignancy Variant Curation Expert Panel for RUNX1: BP4, PM2_supporting.

NM_001754.5(RUNX1):c.187G>C (p.Ala63Pro)

Gene: RUNX1 (RUNX family transcription factor 1; minus strand). Cytogenetic location: 21q22.12.
Variant type: single nucleotide variant.
Coding change: c.187G>C on transcript NM_001754.5 (MANE Select); coding-DNA position 187, G replaced by C.
Protein change: p.Ala63Pro; replaces alanine 63 with proline.
Molecular consequence: missense variant.
Genome position (GRCh38, 1-based): chr21:34,887,007, C>G on the plus strand (G>C on the coding strand, the complement: RUNX1 is on the minus strand). VCF-style: chr21-34887007-C-G. GRCh37 (hg19) VCF-style: chr21-36259304-C-G.
Other names: NM_001754.5:c.187G>C; c.106G>C, p.Ala36Pro (NM_001001890.3, NM_001122607.2); short protein forms A36P, A63P.
Identifiers: ClinVar variation 3775047 (VCV003775047.1).